The following is an entry in ClinVar:

ClinVar aggregate classification (germline): Uncertain significance. Review status: criteria provided, multiple submitters, no conflicts (2 of 4 stars). 2 submissions from 2 submitters: Uncertain significance (2). Last evaluated 2024-09-21.

Conditions:
Distal hereditary motor neuropathy type 2. Identifiers: Orphanet 139525, MedGen C3711384, MeSH C580044, MONDO:0015352.

Allele frequency attached by ClinVar (database versions not stated): gnomAD 0.00002; gnomAD exomes 0.00002 and 0.00003; ExAC 0.00004; TOPMed 0.00004.
gnomAD v4.1: 24 of 1,595,572 alleles (0.0015%); highest among the groups gnomAD compares: Admixed American, 0.0089%; no homozygotes.

Submissions (2):

Labcorp Genetics (formerly Invitae), Labcorp
Classification: Uncertain significance for Distal hereditary motor neuropathy type 2. Last evaluated: 2024-09-21. Review status: criteria provided, single submitter. Criteria: Invitae Variant Classification Sherloc (09022015). Collection method: clinical testing. Allele origin: germline.
Comment: This sequence change replaces methionine, which is neutral and non-polar, with valine, which is neutral and non-polar, at codon 209 of the FBXO38 protein (p.Met209Val). This variant is present in population databases (rs778733611, gnomAD 0.007%). This variant has not been reported in the literature in individuals affected with FBXO38-related conditions. ClinVar contains an entry for this variant (Variation ID: 1024081). Invitae Evidence Modeling of protein sequence and biophysical properties (such as structural, functional, and spatial information, amino acid conservation, physicochemical variation, residue mobility, and thermodynamic stability) indicates that this missense variant is not expected to disrupt FBXO38 protein function with a negative predictive value of 80%. In summary, the available evidence is currently insufficient to determine the role of this variant in disease. Therefore, it has been classified as a Variant of Uncertain Significance.

Ambry Genetics
Classification: Uncertain significance. Last evaluated: 2022-09-13. Review status: criteria provided, single submitter. Criteria: Ambry Variant Classification Scheme 2023. Collection method: clinical testing. Allele origin: germline.
Comment: The p.M209V variant (also known as c.625A>G), located in coding exon 5 of the FBXO38 gene, results from an A to G substitution at nucleotide position 625. The methionine at codon 209 is replaced by valine, an amino acid with highly similar properties. This amino acid position is highly conserved in available vertebrate species. In addition, the in silico prediction for this alteration is inconclusive. Since supporting evidence is limited at this time, the clinical significance of this alteration remains unclear.

NM_205836.3(FBXO38):c.625A>G (p.Met209Val)

Gene: FBXO38 (F-box protein 38; plus strand). Cytogenetic location: 5q32.
Variant type: single nucleotide variant.
Coding change: c.625A>G on transcript NM_205836.3 (MANE Select); coding-DNA position 625, A replaced by G.
Protein change: p.Met209Val; replaces methionine 209 with valine.
Molecular consequence: missense variant.
Genome position (GRCh38, 1-based): chr5:148,404,717, A>G. VCF-style: chr5-148404717-A-G. GRCh37 (hg19) VCF-style: chr5-147784280-A-G.
Other names: c.625A>G, p.Met209Val (NM_001271723.2, NM_030793.5); short protein forms M209V.
Identifiers: ClinVar variation 1024081 (VCV001024081.12), dbSNP rs778733611, ClinGen allele CA3497083.